The following is an entry in ClinVar:

ClinVar aggregate classification (germline): Likely pathogenic (1 of 4 stars; one submission).

Conditions:
Glycogen storage disease, type II (IOPD). Also called: CARDIOMEGALIA GLYCOGENICA DIFFUSA; GLYCOGENOSIS, GENERALIZED, CARDIAC FORM; GSD II; POMPE DISEASE, INFANTILE-ONSET; GLYCOGEN STORAGE DISEASE II, INFANTILE-ONSET; ACID ALPHA-GLUCOSIDASE DEFICIENCY, INFANTILE-ONSET. Identifiers: Orphanet 365, MedGen C0017921, MONDO:0009290, OMIM 232300.

Submission:

Labcorp Genetics (formerly Invitae), Labcorp
Classification: Likely pathogenic for Glycogen storage disease, type II. Last evaluated: 2026-01-11. Review status: criteria provided, single submitter. Criteria: Invitae Variant Classification Sherloc (09022015). Collection method: clinical testing. Allele origin: germline.
Comment: This sequence change replaces glycine, which is neutral and non-polar, with valine, which is neutral and non-polar, at codon 219 of the GAA protein (p.Gly219Val). This variant is not present in population databases (gnomAD no frequency). This variant has not been reported in the literature in individuals affected with GAA-related conditions. Invitae Evidence Modeling of protein sequence and biophysical properties (such as structural, functional, and spatial information, amino acid conservation, physicochemical variation, residue mobility, and thermodynamic stability) indicates that this missense variant is expected to disrupt GAA protein function with a positive predictive value of 95%. This variant disrupts the p.Gly219 amino acid residue in GAA. Other variant(s) that disrupt this residue have been determined to be pathogenic (PMID: 11738358, 14695532, 18429042, 21550241, 23266370, 23601496, 23787031, 29124014). This suggests that this residue is clinically significant, and that variants that disrupt this residue are likely to be disease-causing. In summary, the currently available evidence indicates that the variant is pathogenic, but additional data are needed to prove that conclusively. Therefore, this variant has been classified as Likely Pathogenic.

Literature cited by the submitters: PubMed 11738358; PubMed 14695532; PubMed 18429042; PubMed 21550241; PubMed 23266370; PubMed 23601496; PubMed 23787031; PubMed 29124014.

NM_000152.5(GAA):c.656G>T (p.Gly219Val)

Gene: GAA (alpha glucosidase; plus strand). Cytogenetic location: 17q25.3.
Variant type: single nucleotide variant.
Coding change: c.656G>T on transcript NM_000152.5 (MANE Select); coding-DNA position 656, G replaced by T.
Protein change: p.Gly219Val; replaces glycine 219 with valine.
Molecular consequence: missense variant.
Genome position (GRCh38, 1-based): chr17:80,105,858, G>T. VCF-style: chr17-80105858-G-T. GRCh37 (hg19) VCF-style: chr17-78079657-G-T.
Other names: c.656G>T, p.Gly219Val (NM_001079803.3, NM_001079804.3, NM_001406741.1 and 1 more transcripts); short protein forms G219V.
Identifiers: ClinVar variation 4800915 (VCV004800915.1).